The following is an entry in ClinVar:

ClinVar aggregate classification (germline): Uncertain significance (1 of 4 stars; one submission).

Allele frequency attached by ClinVar (database versions not stated): gnomAD 0.00001; TOPMed 0.00001.
gnomAD v4.1: 2 of 1,493,990 alleles (0.00013%); highest among the groups gnomAD compares: Non-Finnish European, 0.000093%; no homozygotes.

Submission:

Labcorp Genetics (formerly Invitae), Labcorp
Classification: Uncertain significance. Last evaluated: 2023-08-10. Review status: criteria provided, single submitter. Criteria: Invitae Variant Classification Sherloc (09022015). Collection method: clinical testing. Allele origin: germline.
Comment: In summary, the available evidence is currently insufficient to determine the role of this variant in disease. Therefore, it has been classified as a Variant of Uncertain Significance. This sequence change replaces glutamic acid, which is acidic and polar, with glycine, which is neutral and non-polar, at codon 105 of the IFT52 protein (p.Glu105Gly). This variant is present in population databases (no rsID available, gnomAD 0.007%). This variant has not been reported in the literature in individuals affected with IFT52-related conditions. ClinVar contains an entry for this variant (Variation ID: 1478298). Advanced modeling of protein sequence and biophysical properties (such as structural, functional, and spatial information, amino acid conservation, physicochemical variation, residue mobility, and thermodynamic stability) performed at Invitae indicates that this missense variant is not expected to disrupt IFT52 protein function.

NM_016004.5(IFT52):c.314A>G (p.Glu105Gly)

Gene: IFT52 (intraflagellar transport 52; plus strand). Cytogenetic location: 20q13.12.
Variant type: single nucleotide variant.
Coding change: c.314A>G on transcript NM_016004.5 (MANE Select); coding-DNA position 314, A replaced by G.
Protein change: p.Glu105Gly; replaces glutamic acid 105 with glycine.
Molecular consequence: missense variant. On other transcripts: 5 prime UTR variant (4).
Genome position (GRCh38, 1-based): chr20:43,603,866, A>G. VCF-style: chr20-43603866-A-G. GRCh37 (hg19) VCF-style: chr20-42232506-A-G.
Other names: c.314A>G, p.Glu105Gly (NM_001303458.3, NM_001303459.3); c.-358A>G (NM_001323578.2, NM_001323580.2); c.-451A>G (NM_001323579.2, NM_001323581.2); short protein forms E105G.
Identifiers: ClinVar variation 1478298 (VCV001478298.6), dbSNP rs1425412046, ClinGen allele CA409083876.
Genomic context (GRCh38, chr20:43,603,866, plus strand): 5'-TGATGCTAGGAGAAGGTGGAGAATCCAGATTTGACACCAATATTAACTTTTTACTAGAAG[A>G]ATATGGAATCATGGTTAATAATGGTAATTAGTATTATTATTTTCAGTAGAGGCAGTACTT-3'
Protein context (NP_057088.2, residues 95-115): FDTNINFLLE[Glu105Gly]YGIMVNNDAV